The following is an entry in ClinVar:

NM_022356.4(P3H1):c.1135G>A (p.Ala379Thr)

Gene: P3H1 (prolyl 3-hydroxylase 1; minus strand). Cytogenetic location: 1p34.2.
Variant type: single nucleotide variant.
Coding change: c.1135G>A on transcript NM_022356.4 (MANE Select); coding-DNA position 1135, G replaced by A.
Protein change: p.Ala379Thr; replaces alanine 379 with threonine.
Molecular consequence: missense variant.
Genome position (GRCh38, 1-based): chr1:42,755,583, C>T on the plus strand (G>A on the coding strand, the complement: P3H1 is on the minus strand). VCF-style: chr1-42755583-C-T. GRCh37 (hg19) VCF-style: chr1-43221254-C-T.
Other names: c.1135G>A, p.Ala379Thr (NM_001146289.2, NM_001243246.2); short protein forms A379T.
Identifiers: ClinVar variation 650156 (VCV000650156.11), dbSNP rs762013462, ClinGen allele CA801960.

ClinVar aggregate classification (germline): Uncertain significance. Review status: criteria provided, multiple submitters, no conflicts (2 of 4 stars). 3 submissions from 3 submitters: Uncertain significance (3). Last evaluated 2023-04-11.

Conditions:
Osteogenesis Imperfecta, Recessive.
Osteogenesis imperfecta type 8 (OI8). Identifiers: MedGen C1970458, MONDO:0012581, OMIM 610915.

Allele frequency attached by ClinVar (database versions not stated): TOPMed 0.00002; ExAC 0.00003; gnomAD 0.00003.
gnomAD v4.1: 32 of 1,613,972 alleles (0.002%); highest among the groups gnomAD compares: South Asian, 0.0022%; no homozygotes.

Submissions (3):

Genome-Nilou Lab
Classification: Uncertain significance for Osteogenesis imperfecta type 8. Last evaluated: 2023-04-11. Review status: criteria provided, single submitter. Criteria: ACMG Guidelines, 2015. Collection method: clinical testing. Allele origin: germline. Affected: no.

Labcorp Genetics (formerly Invitae), Labcorp
Classification: Uncertain significance for Osteogenesis imperfecta type 8. Last evaluated: 2021-09-01. Review status: criteria provided, single submitter. Criteria: Invitae Variant Classification Sherloc (09022015). Collection method: clinical testing. Allele origin: germline.
Comment: This sequence change replaces alanine with threonine at codon 379 of the P3H1 protein (p.Ala379Thr). The alanine residue is moderately conserved and there is a small physicochemical difference between alanine and threonine. This variant is present in population databases (rs762013462, ExAC 0.006%). This variant has not been reported in the literature in individuals affected with P3H1-related conditions. Algorithms developed to predict the effect of missense changes on protein structure and function (SIFT, PolyPhen-2, Align-GVGD) all suggest that this variant is likely to be tolerated. In summary, the available evidence is currently insufficient to determine the role of this variant in disease. Therefore, it has been classified as a Variant of Uncertain Significance.

Illumina Laboratory Services, Illumina
Classification: Uncertain significance for Osteogenesis Imperfecta, Recessive. Last evaluated: 2017-04-27. Review status: criteria provided, single submitter. Criteria: ICSL Variant Classification Criteria 13 December 2019. Collection method: clinical testing. Allele origin: germline.